The following is an entry in ClinVar:

ClinVar aggregate classification (germline): Uncertain significance (0 of 4 stars; one submission).

Conditions:
SHROOM4-related disorder. Also called: SHROOM4-related condition.

Submission:

PreventionGenetics, part of Exact Sciences
Classification: Uncertain significance for SHROOM4-related condition. Last evaluated: 2024-03-21. Review status: no assertion criteria provided. Collection method: clinical testing. Allele origin: germline.
Comment: The SHROOM4 c.83G>T variant is predicted to result in the amino acid substitution p.Gly28Val. To our knowledge, this variant has not been reported in the literature or in a large population database, indicating this variant is rare. At this time, the clinical significance of this variant is uncertain due to the absence of conclusive functional and genetic evidence.

NM_020717.5(SHROOM4):c.83G>T (p.Gly28Val)

Gene: SHROOM4 (shroom family member 4; minus strand). Cytogenetic location: Xp11.22.
Variant type: single nucleotide variant.
Coding change: c.83G>T on transcript NM_020717.5 (MANE Select); coding-DNA position 83, G replaced by T.
Protein change: p.Gly28Val; replaces glycine 28 with valine.
Molecular consequence: missense variant. On other transcripts: non-coding transcript variant (2).
Genome position (GRCh38, 1-based): chrX:50,813,936, C>A on the plus strand (G>T on the coding strand, the complement: SHROOM4 is on the minus strand). VCF-style: chrX-50813936-C-A. GRCh37 (hg19) VCF-style: chrX-50556936-C-A.
Other names: short protein forms G28V.
Identifiers: ClinVar variation 3349966 (VCV003349966.1).